The following is an entry in ClinVar:

ClinVar aggregate classification (germline): Conflicting classifications of pathogenicity. Review status: criteria provided, conflicting classifications (1 of 4 stars). 5 submissions from 5 submitters: Uncertain significance (4); Likely benign (1). Last evaluated 2026-10-01.

Conditions:
Ataxia-pancytopenia syndrome (ATXPC). Also called: SAMD9L Ataxia-Pancytopenia Syndrome; SAMD9L-Related Syndrome. Identifiers: Orphanet 2585, MedGen C1327919, MONDO:0008038, OMIM 159550.
Inborn genetic diseases. Identifiers: MedGen C0950123, MeSH D030342.

Allele frequency attached by ClinVar (database versions not stated): ExAC 0.00003; gnomAD 0.00003 and 0.00004; gnomAD exomes 0.00004; TOPMed 0.00006; ESP Exome Variant Server 0.00008.
gnomAD v4.1: 62 of 1,613,662 alleles (0.0038%); highest among the groups gnomAD compares: African/African-American, 0.016%; no homozygotes.

Submissions (5):

St. Jude Molecular Pathology, St. Jude Children's Research Hospital
Classification: Uncertain significance for Ataxia-pancytopenia syndrome. Last evaluated: 2026-10-01. Review status: criteria provided, single submitter. Criteria: St. Jude Assertion Criteria 2020. Collection method: clinical testing. Allele origin: germline.
Comment: The SAMD9L c.3320G>A p.(Arg1107His) missense change has a maximum subpopulation frequency of 0.02% in gnomAD v2.1.1. The in silico tool REVEL predict s a benign effect on protein function, but to our knowledge this prediction has not been confirmed by functional studies. In silico predictions have not been found to correlate with syndromic risk and are not considered supporting evidence of a pathogeni c or benign effect (PMID: 34621053). To our knowledge, this variant has not been reported in individuals with ataxia-pancytopenia syndrome or monosomy 7 myelodysplasia and leukemia syndrome. In summary, the evidence currently available is insufficient to determine the clinical significance of this variant. It has therefore been classified as of uncertain significance.

Labcorp Genetics (formerly Invitae), Labcorp
Classification: Uncertain significance. Last evaluated: 2025-11-23. Review status: criteria provided, single submitter. Criteria: Invitae Variant Classification Sherloc (09022015). Collection method: clinical testing. Allele origin: germline.
Comment: This sequence change replaces arginine, which is basic and polar, with histidine, which is basic and polar, at codon 1107 of the SAMD9L protein (p.Arg1107His). This variant is present in population databases (rs369116471, gnomAD 0.03%). This variant has not been reported in the literature in individuals affected with SAMD9L-related conditions. ClinVar contains an entry for this variant (Variation ID: 1337940). Invitae Evidence Modeling of protein sequence and biophysical properties (such as structural, functional, and spatial information, amino acid conservation, physicochemical variation, residue mobility, and thermodynamic stability) indicates that this missense variant is not expected to disrupt SAMD9L protein function with a negative predictive value of 80%. In summary, the available evidence is currently insufficient to determine the role of this variant in disease. Therefore, it has been classified as a Variant of Uncertain Significance.

Ambry Genetics
Classification: Likely benign for Inborn genetic diseases. Last evaluated: 2025-07-15. Review status: criteria provided, single submitter. Criteria: Ambry Variant Classification Scheme 2023. Collection method: clinical testing. Allele origin: germline.

GeneDx
Classification: Uncertain significance. Last evaluated: 2023-05-05. Review status: criteria provided, single submitter. Criteria: GeneDx Variant Classification Process June 2021. Collection method: clinical testing. Allele origin: germline. Affected: yes.
Comment: In silico analysis supports that this missense variant does not alter protein structure/function; Has not been previously published as pathogenic or benign to our knowledge; This variant is associated with the following publications: (PMID: 28545555)

Genetic Services Laboratory, University of Chicago
Classification: Uncertain significance. Last evaluated: 2021-07-21. Review status: criteria provided, single submitter. Criteria: ACMG Guidelines, 2015. Collection method: clinical testing. Allele origin: germline. Affected: no.
Comment: DNA sequence analysis of the SAMD9L gene demonstrated a sequence change, c.3320G>A, in exon 5 that results in an amino acid change, p.Arg1107His. This sequence change has been described in gnomAD with a frequency of 0.025% in the African/ African American sub-population (dbSNP rs369116471). The p.Arg1107His change affects a moderately conserved amino acid residue located in a domain of the SAMD9L protein that is not known to be functional. The p.Arg1107His substitution appears to tolerated using several in-silico pathogenicity prediction tools (SIFT, PolyPhen2, Align GVGD, REVEL). This sequence change does not appear to have been previously described in patients with SAMD9L-related disorders. Due to the lack of sufficient evidences, the clinical significance of the p.Arg1107His change remains unknown at this time.

NM_152703.5(SAMD9L):c.3320G>A (p.Arg1107His)

Gene: SAMD9L (sterile alpha motif domain containing 9 like; minus strand). Cytogenetic location: 7q21.2.
Variant type: single nucleotide variant.
Coding change: c.3320G>A on transcript NM_152703.5 (MANE Select); coding-DNA position 3320, G replaced by A.
Protein change: p.Arg1107His; replaces arginine 1107 with histidine.
Molecular consequence: missense variant.
Genome position (GRCh38, 1-based): chr7:93,132,652, C>T on the plus strand (G>A on the coding strand, the complement: SAMD9L is on the minus strand). VCF-style: chr7-93132652-C-T. GRCh37 (hg19) VCF-style: chr7-92761965-C-T.
Other names: c.3320G>A, p.Arg1107His (NM_001303496.3, NM_001303497.3, NM_001303498.3 and 5 more transcripts); c.3320G>A (NM_152703.2, NM_152703.3); short protein forms R1107H.
Identifiers: ClinVar variation 1337940 (VCV001337940.12), dbSNP rs369116471, ClinGen allele CA4343467.
Genomic context (GRCh38, chr7:93,132,652, plus strand): 5'-TAGACTTGACCTAGTGTATCTGAAATATAGGAATTTTTAGGTGCTTTCATTTTGGCCTGA[C>T]GTGCCCAGTCCAGAGCTGTGTTAAAGTCCTTCTCTTTAATGTAGAAATGTCTTGCTAAGG-3'
Protein context (NP_689916.2, residues 1097-1117): KDFNTALDWA[Arg1107His]QAKMKAPKNS